The following is an entry in ClinVar:

ClinVar aggregate classification (germline): Likely benign (0 of 4 stars; one submission).

Conditions:
RAI1-related disorder. Also called: RAI1-related condition.

Submission:

PreventionGenetics, part of Exact Sciences
Classification: Likely benign for RAI1-related condition. Last evaluated: 2020-12-04. Review status: no assertion criteria provided. Collection method: clinical testing. Allele origin: germline.
Comment: This variant is classified as likely benign based on ACMG/AMP sequence variant interpretation guidelines (Richards et al. 2015 PMID: 25741868, with internal and published modifications).

NM_030665.4(RAI1):c.5214A>G (p.Arg1738=)

Gene: RAI1 (retinoic acid induced 1; plus strand). Cytogenetic location: 17p11.2.
Variant type: single nucleotide variant.
Coding change: c.5214A>G on transcript NM_030665.4 (MANE Select); coding-DNA position 5214, A replaced by G.
Protein change: p.Arg1738=; no amino-acid change (arginine 1738 retained).
Molecular consequence: synonymous variant.
Genome position (GRCh38, 1-based): chr17:17,798,162, A>G. VCF-style: chr17-17798162-A-G. GRCh37 (hg19) VCF-style: chr17-17701476-A-G.
Identifiers: ClinVar variation 3352921 (VCV003352921.1).
Genomic context (GRCh38, chr17:17,798,162, plus strand): 5'-ACTCAAGGAGAAGGTGCGGCCAGAAGGCACCTGTGAGGAGGCCTCGCTGCCGCTTGAGAG[A>G]ACACTCAAAGGTCCCGAGTGTGCAGCTGCCGCCACTGCCGGGAAGCCCCCCAGGCCTGAC-3'
Protein context (NP_109590.3, residues 1728-1748): TCEEASLPLE[Arg1738=]TLKGPECAAA